The following is an entry in ClinVar:

ClinVar aggregate classification (germline): Conflicting classifications of pathogenicity. Review status: criteria provided, conflicting classifications (1 of 4 stars). 2 submissions from 2 submitters: Pathogenic (1); Uncertain significance (1). Last evaluated 2026-09-16.

Conditions:
Acquired polycythemia vera. Also called: POLYCYTHEMIA RUBRA VERA; Suspected polycythemia vera; Polycythemia vera, somatic. Identifiers: Orphanet 729, MedGen C0032463, MeSH D011087, MONDO:0009891, OMIM 263300.

Submissions (2):

Dept of Medical Biology, Uskudar University
Classification: Pathogenic for Acquired polycythemia vera. Last evaluated: 2026-09-16. Review status: criteria provided, single submitter. Criteria: Dept of Medical Biology Variant Classification. Collection method: research. Allele origin: unknown. Affected: yes. Observed: 1 variant allele.
Comment: PS3: JAK2 exon 12 mutations confer erythropoietin-independent growth and constitutive JAK-STAT signalling in functional studies (PMID:17267906). PS4: JAK2 exon 12 in-frame changes at residues 537-543 are recurrent in JAK2 V617F-negative polycythaemia vera and idiopathic erythrocytosis (PMID:17267906); this allele is recorded in COSMIC (COSM24440) and ClinVar (VCV002089826). PM1: located in the exon 12 mutational hotspot (residues 537-543) of the JAK2 pseudokinase-SH2 linker region. PM4: in-frame deletion that changes protein length in a non-repetitive region. PM2_supporting: rare in gnomAD v4.1 (one allele; 6.9e-07). Classified as pathogenic under the ACMG/AMP 2015 guidelines (PMID:25741868). Detected in a retrospective series of 256 BCR::ABL1-negative and JAK2 V617F-negative patients referred for molecular investigation of a suspected myeloproliferative neoplasm (May 2007 to January 2015) and re-interpreted under the ACMG/AMP 2015 criteria.

Labcorp Genetics (formerly Invitae), Labcorp
Classification: Uncertain significance. Last evaluated: 2022-01-26. Review status: criteria provided, single submitter. Criteria: Invitae Variant Classification Sherloc (09022015). Collection method: clinical testing. Allele origin: germline.
Comment: This variant, c.1624_1629del, results in the deletion of 2 amino acid(s) of the JAK2 protein (p.Asn542_Glu543del), but otherwise preserves the integrity of the reading frame. This variant is not present in population databases (gnomAD no frequency). This variant has not been reported in the literature in individuals affected with JAK2-related conditions. Experimental studies and prediction algorithms are not available or were not evaluated, and the functional significance of this variant is currently unknown. In summary, the available evidence is currently insufficient to determine the role of this variant in disease. Therefore, it has been classified as a Variant of Uncertain Significance.

Literature cited by the submitters: PubMed 17267906 (cited by Dept of Medical Biology, Uskudar University).

NM_004972.4(JAK2):c.1624_1629del (p.Asn542_Glu543del)

Genes: INSL6 (insulin like 6; minus strand), JAK2 (Janus kinase 2; plus strand). Cytogenetic location: 9p24.1.
Variant type: Deletion.
Coding change: c.1624_1629del on transcript NM_004972.4 (MANE Select); coding-DNA positions 1624 to 1629, 6 bases deleted (AATGAA; older notation c.1624_1629delAATGAA).
Protein change: p.Asn542_Glu543del.
Molecular consequence: inframe deletion. On other transcripts: non-coding transcript variant (2).
Genome position (GRCh38, 1-based): chr9:5,070,035-5,070,040, AATGAA deleted; deleting any 6 consecutive bases within chr9:5,070,034-5,070,040 gives the same sequence; the c. name uses the placement nearest the transcript's 3' end. VCF-style (leftmost placement, unchanged base first): chr9-5070033-GAAATGA-G. GRCh37 (hg19) VCF-style: chr9-5070033-GAAATGA-G.
Other names: c.1624_1629del, p.Asn542_Glu543del (NM_001322194.2, NM_001322195.2, NM_001322196.2); c.409_414del, p.Asn137_Glu138del (NM_001322198.2, NM_001322199.2); c.1177_1182del, p.Asn393_Glu394del (NM_001322204.2).
Identifiers: ClinVar variation 2089826 (VCV002089826.5), dbSNP rs2489032409, ClinGen allele CA645547514.